The following is an entry in ClinVar:

NM_002693.3(POLG):c.2852A>G (p.Tyr951Cys)

Gene: POLG (DNA polymerase gamma, catalytic subunit; minus strand). Cytogenetic location: 15q26.1.
Variant type: single nucleotide variant.
Coding change: c.2852A>G on transcript NM_002693.3 (MANE Select); coding-DNA position 2852, A replaced by G.
Protein change: p.Tyr951Cys; replaces tyrosine 951 with cysteine.
Molecular consequence: missense variant.
Genome position (GRCh38, 1-based): chr15:89,320,895, T>C on the plus strand (A>G on the coding strand, the complement: POLG is on the minus strand). VCF-style: chr15-89320895-T-C. GRCh37 (hg19) VCF-style: chr15-89864126-T-C.
Other names: c.2852A>G, p.Tyr951Cys (NM_001126131.2); short protein forms Y951C.
Identifiers: ClinVar variation 2684310 (VCV002684310.2), dbSNP rs2509217210, ClinGen allele CA393752790.

ClinVar aggregate classification (germline): Uncertain significance (1 of 4 stars; one submission).

Submission:

Athena Diagnostics
Classification: Uncertain significance. Last evaluated: 2025-09-03. Review status: criteria provided, single submitter. Criteria: Athena Diagnostics Criteria. Collection method: clinical testing. Allele origin: unknown.
Comment: Available data are insufficient to determine the clinical significance of the variant at this time. This variant has not been reported in large, multi-ethnic general populations. Polyphen and MutationTaster predict this amino acid change may be damaging to the protein. At least one other missense variant at this codon is considered to be pathogenic or likely pathogenic, suggesting this variant may also cause disease.